The following is an entry in ClinVar:

ClinVar aggregate classification (germline): Pathogenic (1 of 4 stars; one submission).

Submission:

Labcorp Genetics (formerly Invitae), Labcorp
Classification: Pathogenic. Last evaluated: 2025-07-20. Review status: criteria provided, single submitter. Criteria: Invitae Variant Classification Sherloc (09022015). Collection method: clinical testing. Allele origin: germline.
Comment: This sequence change creates a premature translational stop signal (p.Cys1432*) in the CDH23 gene. It is expected to result in an absent or disrupted protein product. Loss-of-function variants in CDH23 are known to be pathogenic (PMID: 11138009, 21940737). Information on the frequency of this variant in the gnomAD database is not available, as this variant may be reported differently in the database. This variant has not been reported in the literature in individuals affected with CDH23-related conditions. For these reasons, this variant has been classified as Pathogenic.

Literature cited by the submitters: PubMed 11138009; PubMed 21940737.

NM_022124.6(CDH23):c.4296_4297delinsAA (p.Cys1432_Pro1433delinsTer)

Gene: CDH23 (cadherin related 23; plus strand). Cytogenetic location: 10q22.1.
Variant type: Indel.
Coding change: c.4296_4297delinsAA on transcript NM_022124.6 (MANE Select); coding-DNA positions 4296 to 4297, CC replaced by AA.
Protein change: p.Cys1432_Pro1433delinsTer.
Molecular consequence: nonsense.
Genome position (GRCh38, 1-based): chr10:71,738,584-71,738,585, CC replaced by AA. VCF-style: chr10-71738584-CC-AA. GRCh37 (hg19) VCF-style: chr10-73498341-CC-AA.
Identifiers: ClinVar variation 4723544 (VCV004723544.1).